The following is an entry in ClinVar:

NM_021930.6(RINT1):c.827A>G (p.Lys276Arg)

Gene: RINT1 (RAD50 interactor 1; plus strand). Cytogenetic location: 7q22.3.
Variant type: single nucleotide variant.
Coding change: c.827A>G on transcript NM_021930.6 (MANE Select); coding-DNA position 827, A replaced by G.
Protein change: p.Lys276Arg; replaces lysine 276 with arginine.
Molecular consequence: missense variant. On other transcripts: 5 prime UTR variant (2), non-coding transcript variant (1), intron variant (1).
Genome position (GRCh38, 1-based): chr7:105,547,321, A>G. VCF-style: chr7-105547321-A-G. GRCh37 (hg19) VCF-style: chr7-105187768-A-G.
Other names: c.593A>G, p.Lys198Arg (NM_001346599.2); c.-193A>G (NM_001346600.2); c.-96A>G (NM_001346601.2); c.-27-2734A>G (NM_001346603.2); short protein forms K276R, K198R.
Identifiers: ClinVar variation 1762713 (VCV001762713.3), dbSNP rs995610383, ClinGen allele CA164055543.
Genomic context (GRCh38, chr7:105,547,321, plus strand): 5'-GACCTGCCAGTGCCCCGGAGATATACAGTTACCTGGAGACACTGTTTTGTCAGCTTTTGA[A>G]ACTACAAACCTCGTATCTTTGTTGCAGCTGAAAACTTACTAAAATTTCTTTTTTCTAGAA-3'
Protein context (NP_068749.3, residues 266-286): YLETLFCQLL[Lys276Arg]LQTSDELLTE

ClinVar aggregate classification (germline): Uncertain significance (1 of 4 stars; one submission).

Allele frequency attached by ClinVar (database versions not stated): TOPMed below 0.00001; gnomAD 0.00001.
gnomAD v4.1: 1 of 1,614,012 alleles (0.000062%); highest among the groups gnomAD compares: African/African-American, 0.0013%; no homozygotes.

Submission:

Ambry Genetics
Classification: Uncertain significance. Last evaluated: 2024-06-22. Review status: criteria provided, single submitter. Criteria: Ambry Variant Classification Scheme 2023. Collection method: clinical testing. Allele origin: germline.
Comment: The p.K276R variant (also known as c.827A>G), located in coding exon 6 of the RINT1 gene, results from an A to G substitution at nucleotide position 827. The lysine at codon 276 is replaced by arginine, an amino acid with highly similar properties. This amino acid position is conserved. In addition, this alteration is predicted to be tolerated by in silico analysis. Since supporting evidence is limited at this time, the clinical significance of this alteration remains unclear.